The following is an entry in ClinVar:

ClinVar aggregate classification (germline): Uncertain significance (1 of 4 stars; one submission).

Conditions:
Brody myopathy. Also called: BRODY DISEASE. Identifiers: Orphanet 53347, MedGen C1832918, MONDO:0010977, OMIM 601003.

Allele frequency attached by ClinVar (database versions not stated): gnomAD 0.00001; gnomAD exomes 0.00001 and 0.00002; TOPMed 0.00001; ExAC 0.00002; 1000 Genomes Project 30x 0.00016; 1000 Genomes Project 0.00020.
gnomAD v4.1: 17 of 1,614,124 alleles (0.0011%); highest among the groups gnomAD compares: Middle Eastern, 0.016%; no homozygotes.

Submission:

Labcorp Genetics (formerly Invitae), Labcorp
Classification: Uncertain significance for Brody myopathy. Last evaluated: 2021-10-31. Review status: criteria provided, single submitter. Criteria: Invitae Variant Classification Sherloc (09022015). Collection method: clinical testing. Allele origin: germline.
Comment: This sequence change replaces serine, which is neutral and polar, with alanine, which is neutral and non-polar, at codon 693 of the ATP2A1 protein (p.Ser693Ala). This variant is present in population databases (rs563510255, gnomAD 0.01%). This variant has not been reported in the literature in individuals affected with ATP2A1-related conditions. ClinVar contains an entry for this variant (Variation ID: 464081). Algorithms developed to predict the effect of missense changes on protein structure and function (SIFT, PolyPhen-2, Align-GVGD) all suggest that this variant is likely to be tolerated. In summary, the available evidence is currently insufficient to determine the role of this variant in disease. Therefore, it has been classified as a Variant of Uncertain Significance.

NM_004320.6(ATP2A1):c.2077T>G (p.Ser693Ala)

Gene: ATP2A1 (ATPase sarcoplasmic/endoplasmic reticulum Ca2+ transporting 1; plus strand). Cytogenetic location: 16p11.2.
Variant type: single nucleotide variant.
Coding change: c.2077T>G on transcript NM_004320.6 (MANE Select); coding-DNA position 2077, T replaced by G.
Protein change: p.Ser693Ala; replaces serine 693 with alanine.
Molecular consequence: missense variant.
Genome position (GRCh38, 1-based): chr16:28,900,893, T>G. VCF-style: chr16-28900893-T-G. GRCh37 (hg19) VCF-style: chr16-28912214-T-G.
Other names: c.1702T>G, p.Ser568Ala (NM_001286075.2); c.2077T>G, p.Ser693Ala (NM_173201.5); short protein forms S693A, S568A.
Identifiers: ClinVar variation 464081 (VCV000464081.5), dbSNP rs563510255, ClinGen allele CA7987160.